The following is an entry in ClinVar:

NM_194292.3(SASS6):c.170del (p.Leu57fs)

Gene: SASS6 (SAS-6 centriolar assembly protein; minus strand). Cytogenetic location: 1p21.2.
Variant type: Deletion.
Coding change: c.170del on transcript NM_194292.3 (MANE Select); coding-DNA position 170, one base deleted (T; older notation c.170delT).
Protein change: p.Leu57fs; shifts the reading frame from leucine 57.
Molecular consequence: frameshift variant. On other transcripts: intron variant (1).
Genome position (GRCh38, 1-based): chr1:100,123,246, A deleted on the plus strand (T on the coding strand, the reverse complement: SASS6 is on the minus strand); the first of 8 consecutive A bases (chr1:100,123,246-100,123,253); deleting any one gives the same sequence. VCF-style (leftmost placement, unchanged base first): chr1-100123245-TA-T. GRCh37 (hg19) VCF-style: chr1-100588801-TA-T.
Other names: c.-295-762del (NM_001304829.2); c.170delT (NM_194292.3); short protein forms L57fs.
Identifiers: ClinVar variation 2502836 (VCV002502836.2), dbSNP rs763290832, ClinGen allele CA968609.

ClinVar aggregate classification (germline): Likely pathogenic (1 of 4 stars; one submission).

Conditions:
Microcephaly 14, primary, autosomal recessive. Identifiers: Orphanet 2512, MedGen C4225338, MONDO:0014623, OMIM 616402.

Submission:

Lifecell International Pvt. Ltd
Classification: Likely pathogenic for Microcephaly 14, primary, autosomal recessive. Review status: criteria provided, single submitter. Criteria: ACMG Guidelines, 2015. Collection method: clinical testing. Allele origin: germline. Inheritance: Autosomal recessive inheritance. Affected: yes. Observed: 1 compound heterozygote.
Comment: A Heterozygous Frameshift variant c.170delT in Exon 3 of the SASS6 gene was identified that results in the frameshift and consequent premature termintaion of the protein (p.Leu57fs*14). The observed variant has a minimum allele frequency of 0.00% in gnomAD exomes and genomes, respectively. The severity of the impact of this variant on the protein is high, based on the effect of the protein and REVEL score . Rare Exome Variant Ensemble Learner (REVEL) is an ensembl method for predicting the pathogenicity of missense variants based on a combination of scores from 13 individual tools: MutPred, FATHMM v2.3, VEST 3.0, PolyPhen-2, SIFT, PROVEAN, MutationAssessor, MutationTaster, LRT, GERP++, SiPhy, phyloP, and phastCons. The REVEL score for an individual missense variant can range from 0 to 1, with higher scores reflecting greater likelihood that the variant is disease-causing. Based on the above evidence this variant has been classified as Likely Pathogenic according to the ACMG guidelines.